The following is an entry in ClinVar:

ClinVar aggregate classification (germline): Uncertain significance (1 of 4 stars; one submission).

gnomAD v4.1: 3 of 1,578,286 alleles (0.00019%); highest among the groups gnomAD compares: South Asian, 0.0035%; no homozygotes.

Submission:

Labcorp Genetics (formerly Invitae), Labcorp
Classification: Uncertain significance. Last evaluated: 2025-04-02. Review status: criteria provided, single submitter. Criteria: Invitae Variant Classification Sherloc (09022015). Collection method: clinical testing. Allele origin: germline.
Comment: This sequence change creates a premature translational stop signal (p.Glu355*) in the JAK2 gene. It is expected to result in an absent or disrupted protein product. However, the current clinical and genetic evidence is not sufficient to establish whether loss-of-function variants in JAK2 cause disease. This variant is not present in population databases (gnomAD no frequency). This variant has not been reported in the literature in individuals affected with JAK2-related conditions. In summary, the available evidence is currently insufficient to determine the role of this variant in disease. Therefore, it has been classified as a Variant of Uncertain Significance.

NM_004972.4(JAK2):c.1063G>T (p.Glu355Ter)

Genes: INSL6 (insulin like 6; minus strand), JAK2 (Janus kinase 2; plus strand). Cytogenetic location: 9p24.1.
Variant type: single nucleotide variant.
Coding change: c.1063G>T on transcript NM_004972.4 (MANE Select); coding-DNA position 1063, G replaced by T.
Protein change: p.Glu355Ter; replaces glutamic acid 355 with a stop codon.
Molecular consequence: nonsense. On other transcripts: 5 prime UTR variant (2), non-coding transcript variant (2).
Genome position (GRCh38, 1-based): chr9:5,064,889, G>T. VCF-style: chr9-5064889-G-T. GRCh37 (hg19) VCF-style: chr9-5064889-G-T.
Other names: c.1063G>T, p.Glu355Ter (NM_001322194.2, NM_001322195.2, NM_001322196.2); c.-153G>T (NM_001322198.2, NM_001322199.2); c.616G>T, p.Glu206Ter (NM_001322204.2); short protein forms E355*, E206*.
Identifiers: ClinVar variation 4713790 (VCV004713790.1).